The following is an entry in ClinVar:

NM_020975.6(RET):c.1523-5T>C

Gene: RET (ret proto-oncogene; plus strand). Cytogenetic location: 10q11.21.
Variant type: single nucleotide variant.
Coding change: c.1523-5T>C on transcript NM_020975.6 (MANE Select); 5 bases into the intron before coding-DNA position 1523, T replaced by C.
Molecular consequence: intron variant.
Genome position (GRCh38, 1-based): chr10:43,112,094, T>C. VCF-style: chr10-43112094-T-C. GRCh37 (hg19) VCF-style: chr10-43607542-T-C.
Other names: c.1523-5T>C (NM_020630.7, NM_001406743.1, NM_001406744.1 and 4 more transcripts); c.1127-5T>C (NM_001406772.1, NM_001406769.1); c.1085-5T>C (NM_001406773.1, NM_001406771.1); c.626-5T>C (NM_001406782.1, NM_001406780.1, NM_001406779.1 and 3 more transcripts); c.1394-5T>C (NM_001406764.1, NM_001406762.1, NM_001406761.1 and 1 more transcripts); c.998-5T>C (NM_001406774.1); c.497-5T>C (NM_001406786.1, NM_001406783.1); c.1235-5T>C (NM_001406770.1, NM_001406766.1, NM_001406767.1); and 5 more.
Identifiers: ClinVar variation 702836 (VCV000702836.20), dbSNP rs1373899196, ClinGen allele CA592894663.

ClinVar aggregate classification (germline): Conflicting classifications of pathogenicity. Review status: criteria provided, conflicting classifications (1 of 4 stars). 5 submissions from 5 submitters: Uncertain significance (1); Likely benign (4). Last evaluated 2025-12-08.

Conditions:
Hereditary cancer-predisposing syndrome. Also called: Hereditary Cancer Syndrome; Tumor predisposition; Neoplastic Syndromes, Hereditary; Hereditary neoplastic syndrome. Identifiers: Orphanet 140162, MedGen C0027672, MeSH D009386, MONDO:0015356.
Multiple endocrine neoplasia type 2A. Also called: MULTIPLE ENDOCRINE NEOPLASIA, TYPE IIA; PTC SYNDROME; SIPPLE SYNDROME; MEN 2A; MEN-2A syndrome; Pheochromocytoma and amyloid producing medullary thyroid carcinoma. Identifiers: Orphanet 247698, Orphanet 653, MedGen C0025268, MeSH D018813, MONDO:0008234, OMIM 171400.
Multiple endocrine neoplasia, type 2 (MEN2). Identifiers: Orphanet 653, MedGen C4048306, MONDO:0019003. Disease mechanism: gain of function.

Allele frequency attached by ClinVar (database versions not stated): gnomAD exomes 0.00002.
gnomAD v4.1: 19 of 1,598,144 alleles (0.0012%); highest among the groups gnomAD compares: Admixed American, 0.0052%; no homozygotes.

Submissions (5):

Labcorp Genetics (formerly Invitae), Labcorp
Classification: Likely benign for Multiple endocrine neoplasia, type 2. Last evaluated: 2025-12-08. Review status: criteria provided, single submitter. Criteria: Invitae Variant Classification Sherloc (09022015). Collection method: clinical testing. Allele origin: germline.

Color Diagnostics, LLC DBA Color Health
Classification: Likely benign for Multiple endocrine neoplasia, type 2. Last evaluated: 2025-07-07. Review status: criteria provided, single submitter. Criteria: ACMG Guidelines, 2015. Collection method: clinical testing. Allele origin: germline.

Myriad Genetics, Inc.
Classification: Likely benign for Multiple endocrine neoplasia type 2A. Last evaluated: 2025-02-25. Review status: criteria provided, single submitter. Criteria: Myriad Autosomal Dominant, Autosomal Recessive and X-Linked Classification Criteria (2023). Collection method: clinical testing. Allele origin: unknown.
Comment: This variant is considered likely benign. This variant is intronic and is not expected to impact mRNA splicing.

Ambry Genetics
Classification: Likely benign for Hereditary cancer-predisposing syndrome. Last evaluated: 2022-01-03. Review status: criteria provided, single submitter. Criteria: Ambry Variant Classification Scheme 2023. Collection method: clinical testing. Allele origin: germline.

Genetic Services Laboratory, University of Chicago
Classification: Uncertain significance. Last evaluated: 2021-10-19. Review status: criteria provided, single submitter. Criteria: ACMG Guidelines, 2015. Collection method: clinical testing. Allele origin: germline. Affected: no.
Comment: DNA sequence analysis of the RET gene demonstrated a sequence change in intron 7, c.1523-5T>C. This change does not appear to have been previously described in individuals with RET-related disorders. This sequence change has been described in the gnomAD database with a frequency of 0.016% in the Latino/Admixed American subpopulation (dbSNP rs1373899196). This sequence change is not predicted to have a deleterious effect on splicing based on in-silico splice prediction programs. It is possible that this sequence change represents a benign sequence change in the RET gene that has not been identified to date. The functional significance of this sequence change is not known at present and its contribution to this individual's disease phenotype cannot definitively be determined.